The following is an entry in ClinVar:

ClinVar aggregate classification (germline): Uncertain significance (1 of 4 stars; one submission).

Submission:

GeneDx
Classification: Uncertain significance. Last evaluated: 2024-01-25. Review status: criteria provided, single submitter. Criteria: GeneDx Variant Classification Process June 2021. Collection method: clinical testing. Allele origin: germline. Affected: yes.
Comment: Not observed at significant frequency in large population cohorts (gnomAD); In silico analysis supports that this missense variant has a deleterious effect on protein structure/function; Has not been previously published as pathogenic or benign to our knowledge

NM_133261.3(GIPC3):c.335A>G (p.Glu112Gly)

Gene: GIPC3 (GIPC PDZ domain containing family member 3; plus strand). Cytogenetic location: 19p13.3.
Variant type: single nucleotide variant.
Coding change: c.335A>G on transcript NM_133261.3 (MANE Select); coding-DNA position 335, A replaced by G.
Protein change: p.Glu112Gly; replaces glutamic acid 112 with glycine.
Molecular consequence: missense variant.
Genome position (GRCh38, 1-based): chr19:3,586,604, A>G. VCF-style: chr19-3586604-A-G. GRCh37 (hg19) VCF-style: chr19-3586602-A-G.
Other names: c.335A>G, p.Glu112Gly (NM_001411144.1); short protein forms E112G.
Identifiers: ClinVar variation 3368229 (VCV003368229.1).